The following is an entry in ClinVar:

NM_000117.3(EMD):c.740_743del (p.Gln247fs)

Gene: EMD (emerin; plus strand). Cytogenetic location: Xq28.
Variant type: Deletion.
Coding change: c.740_743del on transcript NM_000117.3 (MANE Select); coding-DNA positions 740 to 743, 4 bases deleted (AGGC; older notation c.740_743delAGGC).
Protein change: p.Gln247fs; shifts the reading frame from glutamine 247.
Molecular consequence: frameshift variant.
Genome position (GRCh38, 1-based): chrX:154,381,172-154,381,175, AGGC deleted; deleting any 4 consecutive bases within chrX:154,381,170-154,381,175 gives the same sequence; the c. name uses the placement nearest the transcript's 3' end. VCF-style (leftmost placement, unchanged base first): chrX-154381169-TGCAG-T. GRCh37 (hg19) VCF-style: chrX-153609529-TGCAG-T.
Other names: short protein forms Q247fs.
Identifiers: ClinVar variation 3724689 (VCV003724689.2).

ClinVar aggregate classification (germline): Likely pathogenic (1 of 4 stars; one submission).

Conditions:
X-linked Emery-Dreifuss muscular dystrophy. Also called: Muscular dystrophy, tardive Emery-Dreifuss type, with contractures. Identifiers: Orphanet 261, Orphanet 98863, MedGen C0751337, MONDO:0010680.

Submission:

Labcorp Genetics (formerly Invitae), Labcorp
Classification: Likely pathogenic for X-linked Emery-Dreifuss muscular dystrophy. Last evaluated: 2024-09-29. Review status: criteria provided, single submitter. Criteria: Invitae Variant Classification Sherloc (09022015). Collection method: clinical testing. Allele origin: germline.
Comment: This sequence change results in a frameshift in the EMD gene (p.Gln247Leufs*110). While this is not anticipated to result in nonsense mediated decay, it is expected to disrupt the last 8 amino acid(s) of the EMD protein and extend the protein by 101 additional amino acid residues. This variant is not present in population databases (gnomAD no frequency). This frameshift has been observed in individual(s) with Emery-Dreifuss muscular dystrophy (PMID: 10677860). Studies have shown that this frameshift alters EMD gene expression (PMID: 10677860). In summary, the currently available evidence indicates that the variant is pathogenic, but additional data are needed to prove that conclusively. Therefore, this variant has been classified as Likely Pathogenic.

Literature cited by the submitters: PubMed 10677860.